The following is an entry in ClinVar:

ClinVar aggregate classification (germline): Uncertain significance (1 of 4 stars; one submission).

Submission:

Greenwood Genetic Center Diagnostic Laboratories, Greenwood Genetic Center
Classification: Uncertain significance. Last evaluated: 2022-05-10. Review status: criteria provided, single submitter. Criteria: ACMG Guidelines, 2015. Collection method: clinical testing. Allele origin: germline. Affected: yes.
Comment: PM2, BP4

NM_001134407.3(GRIN2A):c.104A>C (p.Asn35Thr)

Gene: GRIN2A (glutamate ionotropic receptor NMDA type subunit 2A; minus strand). Cytogenetic location: 16p13.2.
Variant type: single nucleotide variant.
Coding change: c.104A>C on transcript NM_001134407.3 (MANE Select); coding-DNA position 104, A replaced by C.
Protein change: p.Asn35Thr; replaces asparagine 35 with threonine.
Molecular consequence: missense variant.
Genome position (GRCh38, 1-based): chr16:10,180,308, T>G on the plus strand (A>C on the coding strand, the complement: GRIN2A is on the minus strand). VCF-style: chr16-10180308-T-G. GRCh37 (hg19) VCF-style: chr16-10274165-T-G.
Other names: c.104A>C, p.Asn35Thr (NM_000833.5, NM_001134408.2); short protein forms N35T.
Identifiers: ClinVar variation 1703054 (VCV001703054.3), dbSNP rs2544032516, ClinGen allele CA394715725.